The following is an entry in ClinVar:

NM_001848.3(COL6A1):c.1458C>T (p.Ser486=)

Gene: COL6A1 (collagen type VI alpha 1 chain; plus strand). Cytogenetic location: 21q22.3.
Variant type: single nucleotide variant.
Coding change: c.1458C>T on transcript NM_001848.3 (MANE Select); coding-DNA position 1458, C replaced by T.
Protein change: p.Ser486=; no amino-acid change (serine 486 retained).
Molecular consequence: synonymous variant.
Genome position (GRCh38, 1-based): chr21:45,997,480, C>T. VCF-style: chr21-45997480-C-T. GRCh37 (hg19) VCF-style: chr21-47417394-C-T.
Other names: c.1458C>T (NM_001848.2).
Identifiers: ClinVar variation 1086777 (VCV001086777.10), dbSNP rs377137616, ClinGen allele CA321971838.

ClinVar aggregate classification (germline): Likely benign. Review status: criteria provided, single submitter (1 of 4 stars). 2 submissions from 2 submitters: Likely benign (1). 1 of the submissions does not count toward it. Last evaluated 2025-08-29.

Conditions:
COL6A1-related disorder. Also called: COL6A1-related condition.
Bethlem myopathy 1A. Also called: MYOPATHY, BENIGN CONGENITAL, WITH CONTRACTURES; Bethlem Muscular Dystrophy; Bethlem myopathy 1. Identifiers: Orphanet 610, MedGen CN029274, MONDO:0024530, OMIM 158810.

Allele frequency attached by ClinVar (database versions not stated): gnomAD exomes 0.00002; gnomAD 0.00003 and 0.00004; TOPMed 0.00007; ESP Exome Variant Server 0.00008.
gnomAD v4.1: 28 of 1,610,010 alleles (0.0017%); highest among the groups gnomAD compares: Middle Eastern, 0.049%; no homozygotes.

Submissions (2):

Labcorp Genetics (formerly Invitae), Labcorp
Classification: Likely benign for Bethlem myopathy 1A. Last evaluated: 2025-08-29. Review status: criteria provided, single submitter. Criteria: Invitae Variant Classification Sherloc (09022015). Collection method: clinical testing. Allele origin: germline.

PreventionGenetics, part of Exact Sciences
Classification: Likely benign for COL6A1-related condition. Last evaluated: 2020-02-14. Review status: no assertion criteria provided. Collection method: clinical testing. Allele origin: germline. Not counted in ClinVar's aggregate classification.
Comment: This variant is classified as likely benign based on ACMG/AMP sequence variant interpretation guidelines (Richards et al. 2015 PMID: 25741868, with internal and published modifications).